The following is an entry in ClinVar:

NM_001039591.3(USP9X):c.6973-12dup

Gene: USP9X (ubiquitin specific peptidase 9 X-linked; plus strand). Cytogenetic location: Xp11.4.
Variant type: Duplication.
Coding change: c.6973-12dup on transcript NM_001039591.3 (MANE Select); 12 bases into the intron before coding-DNA position 6973, one base duplicated (A; older notation c.6973-12dupA).
Molecular consequence: intron variant.
Genome position (GRCh38, 1-based): chrX:41,225,037, A duplicated. VCF-style (leftmost placement, unchanged base first): chrX-41225036-T-TA. GRCh37 (hg19) VCF-style: chrX-41084289-T-TA.
Other names: c.6988-12dup (NM_001410748.1, NM_001410749.1, NM_001437534.1); c.6973-12dup (NM_001039590.3); c.6973-12dupA (NM_001039590.3).
Identifiers: ClinVar variation 4525990 (VCV004525990.1).
Genomic context (GRCh38, chrX:41,225,036, plus strand): 5'-AACATTTGTATGTTTATAATTTGATTTGTTATTCCTTTCATTAAGTTACTCACCATGTCT[T>TA]ACTTGTTTTTAGGTTGCATATTCCTATACCTATGAACTGCGGCCCTATTTGGATCTGCTT-3'

ClinVar aggregate classification (germline): Likely benign (1 of 4 stars; one submission).

Submission:

Women's Health and Genetics/Laboratory Corporation of America, LabCorp
Classification: Likely benign. Last evaluated: 2025-07-10. Review status: criteria provided, single submitter. Criteria: LabCorp Variant Classification Summary - May 2015. Collection method: clinical testing. Allele origin: germline.
Comment: Variant summary: USP9X c.6973-12dupA alters a non-conserved nucleotide located at a position not widely known to affect splicing. Consensus agreement among computation tools predict no significant impact on normal splicing. However, these predictions have yet to be confirmed by functional studies. The variant was absent in 181437 control chromosomes. The available data on variant occurrences in the general population are insufficient to allow any conclusion about variant significance. To our knowledge, no occurrence of c.6973-12dupA in individuals affected with Mental Retardation, X-Linked 99 and no experimental evidence demonstrating its impact on protein function have been reported. No submitters have cited clinical-significance assessments for this variant to ClinVar. Based on the evidence outlined above, the variant was classified as likely benign.